The following is an entry in ClinVar:

NM_017999.5(RNF31):c.3001C>T (p.His1001Tyr)

Gene: RNF31 (ring finger protein 31; plus strand). Cytogenetic location: 14q12.
Variant type: single nucleotide variant.
Coding change: c.3001C>T on transcript NM_017999.5 (MANE Select); coding-DNA position 3001, C replaced by T.
Protein change: p.His1001Tyr; replaces histidine 1001 with tyrosine.
Molecular consequence: missense variant.
Genome position (GRCh38, 1-based): chr14:24,160,243, C>T. VCF-style: chr14-24160243-C-T. GRCh37 (hg19) VCF-style: chr14-24629452-C-T.
Other names: c.2548C>T, p.His850Tyr (NM_001310332.2); short protein forms H1001Y, H850Y.
Identifiers: ClinVar variation 1717636 (VCV001717636.6), dbSNP rs1197765259, ClinGen allele CA389195169.

ClinVar aggregate classification (germline): Uncertain significance (1 of 4 stars; one submission).

Submission:

Labcorp Genetics (formerly Invitae), Labcorp
Classification: Uncertain significance. Last evaluated: 2022-08-22. Review status: criteria provided, single submitter. Criteria: Invitae Variant Classification Sherloc (09022015). Collection method: clinical testing. Allele origin: germline.
Comment: This variant has not been reported in the literature in individuals affected with RNF31-related conditions. In summary, the available evidence is currently insufficient to determine the role of this variant in disease. Therefore, it has been classified as a Variant of Uncertain Significance. Algorithms developed to predict the effect of missense changes on protein structure and function are either unavailable or do not agree on the potential impact of this missense change (SIFT: "Deleterious"; PolyPhen-2: "Probably Damaging"; Align-GVGD: "Class C0"). This variant is not present in population databases (gnomAD no frequency). This sequence change replaces histidine, which is basic and polar, with tyrosine, which is neutral and polar, at codon 1001 of the RNF31 protein (p.His1001Tyr).